The following is an entry in ClinVar:

NM_018979.4(WNK1):c.3991C>A (p.Pro1331Thr)

Gene: WNK1 (WNK lysine deficient protein kinase 1; plus strand). Cytogenetic location: 12p13.33.
Variant type: single nucleotide variant.
Coding change: c.3991C>A on transcript NM_018979.4 (MANE Select); coding-DNA position 3991, C replaced by A.
Protein change: p.Pro1331Thr; replaces proline 1331 with threonine.
Molecular consequence: missense variant.
Genome position (GRCh38, 1-based): chr12:884,795, C>A. VCF-style: chr12-884795-C-A. GRCh37 (hg19) VCF-style: chr12-993961-C-A.
Other names: p.Pro1331Thr; c.4771C>A, p.Pro1591Thr (NM_001184985.2); c.3250C>A, p.Pro1084Thr (NM_014823.3); c.4747C>A, p.Pro1583Thr (NM_213655.5); short protein forms P1583T, P1331T, P1591T, P1084T.
Identifiers: ClinVar variation 582910 (VCV000582910.12), dbSNP rs200513331, ClinGen allele CA6382903.

ClinVar aggregate classification (germline): Uncertain significance. Review status: criteria provided, multiple submitters, no conflicts (2 of 4 stars). 4 submissions from 4 submitters: Uncertain significance (2). 2 of the submissions do not count toward it. Last evaluated 2023-06-27.

Conditions:
Neuropathy, hereditary sensory and autonomic, type 2A (HSAN2A). Also called: HSAN IIA; ACROOSTEOLYSIS, GIACCAI TYPE; ACROOSTEOLYSIS, NEUROGENIC; WNK1-Related HSAN2 (HSAN2A); MORVAN DISEASE; NEUROPATHY, CONGENITAL SENSORY. Identifiers: Orphanet 970, MedGen C2752089, MONDO:0024309, OMIM 201300.
Pseudohypoaldosteronism type 2C (PHA2C). Also called: Pseudohypoaldosteronism Type IIC. Identifiers: Orphanet 757, Orphanet 88940, MedGen C1840391, MONDO:0013778, OMIM 614492.

Allele frequency attached by ClinVar (database versions not stated): ExAC 0.00001; TOPMed 0.00002.
gnomAD v4.1: 20 of 1,614,090 alleles (0.0012%); highest among the groups gnomAD compares: Non-Finnish European, 0.0017%; no homozygotes.

Submissions (4):

Labcorp Genetics (formerly Invitae), Labcorp
Classification: Uncertain significance for Neuropathy, hereditary sensory and autonomic, type 2A; Pseudohypoaldosteronism type 2C. Last evaluated: 2023-06-27. Review status: criteria provided, single submitter. Criteria: Invitae Variant Classification Sherloc (09022015). Collection method: clinical testing. Allele origin: germline.
Comment: In summary, the available evidence is currently insufficient to determine the role of this variant in disease. Therefore, it has been classified as a Variant of Uncertain Significance. Advanced modeling of protein sequence and biophysical properties (such as structural, functional, and spatial information, amino acid conservation, physicochemical variation, residue mobility, and thermodynamic stability) performed at Invitae indicates that this missense variant is not expected to disrupt WNK1 protein function. ClinVar contains an entry for this variant (Variation ID: 582910). This variant has not been reported in the literature in individuals affected with WNK1-related conditions. This variant is present in population databases (rs200513331, gnomAD 0.002%). This sequence change replaces proline, which is neutral and non-polar, with threonine, which is neutral and polar, at codon 1583 of the WNK1 protein (p.Pro1583Thr).

Mayo Clinic Laboratories, Mayo Clinic
Classification: Uncertain significance. Last evaluated: 2023-06-02. Review status: criteria provided, single submitter. Criteria: ACMG Guidelines, 2015. Collection method: clinical testing. Allele origin: germline. Observed: 1 variant allele.
Comment: BP4

Clinical Genetics DNA and cytogenetics Diagnostics Lab, Erasmus MC, Erasmus Medical Center
Classification: Uncertain significance. Review status: no assertion criteria provided. Collection method: clinical testing. Allele origin: germline. Affected: yes. Study: VKGL Data-share Consensus. Not counted in ClinVar's aggregate classification.

Clinical Genetics, Academic Medical Center
Classification: Uncertain significance. Review status: no assertion criteria provided. Collection method: clinical testing. Allele origin: germline. Affected: yes. Study: VKGL Data-share Consensus. Not counted in ClinVar's aggregate classification.